The following is an entry in ClinVar:

NM_001197104.2(KMT2A):c.4435T>C (p.Cys1479Arg)

Gene: KMT2A (lysine methyltransferase 2A; plus strand). Cytogenetic location: 11q23.3.
Variant type: single nucleotide variant.
Coding change: c.4435T>C on transcript NM_001197104.2 (MANE Select); coding-DNA position 4435, T replaced by C.
Protein change: p.Cys1479Arg; replaces cysteine 1479 with arginine.
Molecular consequence: missense variant.
Genome position (GRCh38, 1-based): chr11:118,488,716, T>C. VCF-style: chr11-118488716-T-C. GRCh37 (hg19) VCF-style: chr11-118359431-T-C.
Other names: c.4435T>C, p.Cys1479Arg (NM_005933.4); short protein forms C1479R.
Identifiers: ClinVar variation 1443474 (VCV001443474.8), dbSNP rs2134328161, ClinGen allele CA382832636.

ClinVar aggregate classification (germline): Uncertain significance (1 of 4 stars; one submission).

Submission:

Labcorp Genetics (formerly Invitae), Labcorp
Classification: Uncertain significance. Last evaluated: 2021-05-04. Review status: criteria provided, single submitter. Criteria: Invitae Variant Classification Sherloc (09022015). Collection method: clinical testing. Allele origin: germline.
Comment: This sequence change replaces cysteine with arginine at codon 1479 of the KMT2A protein (p.Cys1479Arg). The cysteine residue is moderately conserved and there is a large physicochemical difference between cysteine and arginine. This variant is not present in population databases (ExAC no frequency). This variant has been observed in individual(s) with clinical features of Wiedemann-Steiner syndrome (Invitae). Algorithms developed to predict the effect of missense changes on protein structure and function are either unavailable or do not agree on the potential impact of this missense change (SIFT: "Deleterious"; PolyPhen-2: "Probably Damaging"; Align-GVGD: "Class C0"). In summary, the available evidence is currently insufficient to determine the role of this variant in disease. Therefore, it has been classified as a Variant of Uncertain Significance.